The following is an entry in ClinVar:

ClinVar aggregate classification (germline): Uncertain significance (1 of 4 stars; one submission).

Conditions:
Amyotrophic lateral sclerosis type 21. Also called: VOCAL CORD AND PHARYNGEAL DYSFUNCTION WITH DISTAL MYOPATHY; MYOPATHY, DISTAL, 2. Identifiers: Orphanet 600, Orphanet 803, MedGen C3807521, MONDO:0011632, OMIM 606070.

Submission:

Labcorp Genetics (formerly Invitae), Labcorp
Classification: Uncertain significance for Amyotrophic lateral sclerosis type 21. Last evaluated: 2024-04-14. Review status: criteria provided, single submitter. Criteria: Invitae Variant Classification Sherloc (09022015). Collection method: clinical testing. Allele origin: germline.
Comment: This sequence change replaces serine, which is neutral and polar, with phenylalanine, which is neutral and non-polar, at codon 9 of the MATR3 protein (p.Ser9Phe). This variant is not present in population databases (gnomAD no frequency). This variant has not been reported in the literature in individuals affected with MATR3-related conditions. An algorithm developed to predict the effect of missense changes on protein structure and function (PolyPhen-2) suggests that this variant is likely to be disruptive. In summary, the available evidence is currently insufficient to determine the role of this variant in disease. Therefore, it has been classified as a Variant of Uncertain Significance.

NM_018834.6(MATR3):c.26C>T (p.Ser9Phe)

Gene: MATR3 (matrin 3; plus strand). Cytogenetic location: 5q31.2.
Variant type: single nucleotide variant.
Coding change: c.26C>T on transcript NM_018834.6 (MANE Select); coding-DNA position 26, C replaced by T.
Protein change: p.Ser9Phe; replaces serine 9 with phenylalanine.
Molecular consequence: missense variant. On other transcripts: intron variant (11).
Genome position (GRCh38, 1-based): chr5:139,307,441, C>T. VCF-style: chr5-139307441-C-T. GRCh37 (hg19) VCF-style: chr5-138643130-C-T.
Other names: c.-40-8256C>T (NM_001400467.1, NM_001400462.1); c.49-7234C>T (NM_001194956.2); c.26C>T, p.Ser9Phe (NM_001194954.2, NM_001194955.2, NM_001400441.1 and 16 more transcripts); c.52-7234C>T (NM_001400459.1); c.-102-7234C>T (NM_001400463.1, NM_001400460.1, NM_001282278.2 and 3 more transcripts); c.13-7234C>T (NM_001400461.1); short protein forms S9F.
Identifiers: ClinVar variation 3649812 (VCV003649812.2).
Genomic context (GRCh38, chr5:139,307,441, plus strand): 5'-TTTAATCTATAAAATAGACAAGAGCTAGTTCTACAATGTCCAAGTCATTCCAGCAGTCAT[C>T]TCTCAGTAGGGACTCACAGGGTCATGGGCGTGACCTGTCTGCGGCAGGAATAGGCCTTCT-3'
Protein context (NP_061322.2, residues 1-19): MSKSFQQS[Ser9Phe]LSRDSQGHGR